The following is an entry in ClinVar:

ClinVar aggregate classification (germline): Uncertain significance (1 of 4 stars; one submission).

Conditions:
Inborn genetic diseases. Identifiers: MedGen C0950123, MeSH D030342.

Allele frequency attached by ClinVar (database versions not stated): gnomAD 0.00001.
gnomAD v4.1: 18 of 1,571,484 alleles (0.0011%); highest among the groups gnomAD compares: Admixed American, 0.032%; no homozygotes.

Submission:

Ambry Genetics
Classification: Uncertain significance for Inborn genetic diseases. Last evaluated: 2022-01-19. Review status: criteria provided, single submitter. Criteria: Ambry Variant Classification Scheme 2023. Collection method: clinical testing. Allele origin: germline.
Comment: The c.1326+4A>C intronic alteration consists of a A to C substitution 4 nucleotides after exon 6 of the TENM3 gene. Based on insufficient or conflicting evidence, the clinical significance of this alteration remains unclear.

NM_001080477.4(TENM3):c.1326+4A>C

Gene: TENM3 (teneurin transmembrane protein 3; plus strand). Cytogenetic location: 4q35.1.
Variant type: single nucleotide variant.
Coding change: c.1326+4A>C on transcript NM_001080477.4 (MANE Select); 4 bases into the intron after coding-DNA position 1326, A replaced by C.
Molecular consequence: intron variant.
Genome position (GRCh38, 1-based): chr4:182,673,223, A>C. VCF-style: chr4-182673223-A-C. GRCh37 (hg19) VCF-style: chr4-183594376-A-C.
Identifiers: ClinVar variation 2224805 (VCV002224805.2), dbSNP rs745896405, ClinGen allele CA3147640.